The following is an entry in ClinVar:

NM_030882.4(APOL2):c.475G>A (p.Ala159Thr)

Gene: APOL2 (apolipoprotein L2; minus strand). Cytogenetic location: 22q12.3.
Variant type: single nucleotide variant.
Coding change: c.475G>A on transcript NM_030882.4 (MANE Select); coding-DNA position 475, G replaced by A.
Protein change: p.Ala159Thr; replaces alanine 159 with threonine.
Molecular consequence: missense variant.
Genome position (GRCh38, 1-based): chr22:36,227,943, C>T on the plus strand (G>A on the coding strand, the complement: APOL2 is on the minus strand). VCF-style: chr22-36227943-C-T. GRCh37 (hg19) VCF-style: chr22-36623989-C-T.
Other names: c.475G>A, p.Ala159Thr (NM_145637.3); short protein forms A159T.
Identifiers: ClinVar variation 4688483 (VCV004688483.1).

ClinVar aggregate classification (germline): Likely benign (1 of 4 stars; one submission).

gnomAD v4.1: 148 of 1,614,228 alleles (0.0092%); highest among the groups gnomAD compares: South Asian, 0.15%; 3 homozygotes.

Submission:

Women's Health and Genetics/Laboratory Corporation of America, LabCorp
Classification: Likely benign. Last evaluated: 2025-12-30. Review status: criteria provided, single submitter. Criteria: LabCorp Variant Classification Summary - May 2015. Collection method: clinical testing. Allele origin: germline.
Comment: Variant summary: APOL2 c.475G>A (p.Ala159Thr) results in a non-conservative amino acid change in the encoded protein sequence. Algorithms developed to predict the effect of missense changes on protein structure and function are either unavailable or do not agree on the potential impact of this missense change. The variant allele was found at a frequency of 0.0002 in 249414 control chromosomes, predominantly at a frequency of 0.0016 within the South Asian subpopulation in the gnomAD database, including 1 homozygotes. The observed variant frequency within South Asian control individuals in the gnomAD database exceeds the estimated maximal expected allele frequency for disease-causing variants in APOL2. To our knowledge, no occurrence of c.475G>A in individuals affected with APOL2-related conditions and no experimental evidence demonstrating its impact on protein function have been reported. No submitters have cited clinical-significance assessments for this variant to ClinVar. Based on the evidence outlined above, the variant was classified as likely benign.